The following is an entry in ClinVar:

NM_002408.4(MGAT2):c.360G>A (p.Leu120=)

Gene: MGAT2 (alpha-1,6-mannosyl-glycoprotein 2-beta-N-acetylglucosaminyltransferase; plus strand). Cytogenetic location: 14q21.3.
Variant type: single nucleotide variant.
Coding change: c.360G>A on transcript NM_002408.4 (MANE Select); coding-DNA position 360, G replaced by A.
Protein change: p.Leu120=; no amino-acid change (leucine 120 retained).
Molecular consequence: synonymous variant.
Genome position (GRCh38, 1-based): chr14:49,621,628, G>A. VCF-style: chr14-49621628-G-A. GRCh37 (hg19) VCF-style: chr14-50088346-G-A.
Identifiers: ClinVar variation 313256 (VCV000313256.15), dbSNP rs148802016, ClinGen allele CA7172531.

ClinVar aggregate classification (germline): Benign. Review status: criteria provided, multiple submitters, no conflicts (2 of 4 stars). 3 submissions from 3 submitters: Benign (3). Last evaluated 2026-01-07.

Conditions:
MGAT2-congenital disorder of glycosylation. Also called: MENTAL RETARDATION, GROWTH RETARDATION, PROMINENT COLUMELLA, AND OPEN MOUTH; Alkuraya syndrome; CDG IIa; MGAT2-CDG; Congenital disorder of glycosylation, type IIa. Identifiers: Orphanet 79329, MedGen C2931008, MONDO:0008908, OMIM 212066.

Allele frequency attached by ClinVar (database versions not stated): ESP Exome Variant Server 0.00069; gnomAD exomes 0.00092 and 0.00329; gnomAD 0.00125 and 0.00176; TOPMed 0.00190; ExAC 0.00299; 1000 Genomes Project 30x 0.00890; 1000 Genomes Project 0.00938.
gnomAD v4.1: 1,694 of 1,614,152 alleles (0.1%); highest among the groups gnomAD compares: East Asian, 3.1%; 31 homozygotes.

Submissions (3):

Labcorp Genetics (formerly Invitae), Labcorp
Classification: Benign for MGAT2-congenital disorder of glycosylation. Last evaluated: 2026-01-07. Review status: criteria provided, single submitter. Criteria: Invitae Variant Classification Sherloc (09022015). Collection method: clinical testing. Allele origin: germline.

Illumina Laboratory Services, Illumina
Classification: Benign for MGAT2-congenital disorder of glycosylation. Last evaluated: 2018-01-13. Review status: criteria provided, single submitter. Criteria: ICSL Variant Classification Criteria 13 December 2019. Collection method: clinical testing. Allele origin: germline.
Comment: This variant was observed in the ICSL laboratory as part of a predisposition screen in an ostensibly healthy population. It had not been previously curated by ICSL or reported in the Human Gene Mutation Database (HGMD: prior to June 1st, 2018), and was therefore a candidate for classification through an automated scoring system. Utilizing variant allele frequency, disease prevalence and penetrance estimates, and inheritance mode, an automated score was calculated to assess if this variant is too frequent to cause the disease. Based on the score and internal cut-off values, a variant classified as benign is not then subjected to further curation. The score for this variant resulted in a classification of benign for this disease.

GeneDx
Classification: Benign. Last evaluated: 2016-07-22. Review status: criteria provided, single submitter. Criteria: GeneDx Variant Classification (06012015). Collection method: clinical testing. Allele origin: germline. Affected: yes.
Comment: This variant is considered likely benign or benign based on one or more of the following criteria: it is a conservative change, it occurs at a poorly conserved position in the protein, it is predicted to be benign by multiple in silico algorithms, and/or has population frequency not consistent with disease.